The following is an entry in ClinVar:

ClinVar aggregate classification (germline): Uncertain significance. Review status: criteria provided, multiple submitters, no conflicts (2 of 4 stars). 2 submissions from 2 submitters: Uncertain significance (2). Last evaluated 2025-10-01.

Conditions:
Familial hypobetalipoproteinemia 1. Also called: APOB-Related Familial Hypobetalipoproteinemia; Hypobetalipoproteinemia, normotriglyceridemic; Acanthocytosis with hypobetalipoproteinemia. Identifiers: MedGen C4551990, MONDO:0014252, OMIM 615558.
Hypercholesterolemia, autosomal dominant, type B (FHCL2). Also called: Familial Hypercholesterolemia Type B; APOLIPOPROTEIN B-100, FAMILIAL DEFECTIVE; APOLIPOPROTEIN B-100, FAMILIAL LIGAND-DEFECTIVE; HYPERCHOLESTEROLEMIA, FAMILIAL, DUE TO LIGAND-DEFECTIVE APOLIPOPROTEIN B; APOB-Related Familial Hypercholesterolemia, Autosomal Dominant; Familial hypercholesterolemia 2. Identifiers: MedGen C1704417, MONDO:0007751, OMIM 144010.
Cardiovascular phenotype. Identifiers: MedGen CN230736.

Allele frequency attached by ClinVar (database versions not stated): TOPMed below 0.00001.

Submissions (2):

Ambry Genetics
Classification: Uncertain significance for Cardiovascular phenotype. Last evaluated: 2025-10-01. Review status: criteria provided, single submitter. Criteria: Ambry Variant Classification Scheme 2023. Collection method: clinical testing. Allele origin: germline.
Comment: The p.A1901S variant (also known as c.5701G>T), located in coding exon 26 of the APOB gene, results from a G to T substitution at nucleotide position 5701. The alanine at codon 1901 is replaced by serine, an amino acid with similar properties. This amino acid position is conserved. In addition, this alteration is predicted to be tolerated by in silico analysis. Based on the available evidence, the clinical significance of this variant remains unclear.

Labcorp Genetics (formerly Invitae), Labcorp
Classification: Uncertain significance for Familial hypobetalipoproteinemia 1; Hypercholesterolemia, autosomal dominant, type B. Last evaluated: 2022-07-05. Review status: criteria provided, single submitter. Criteria: Invitae Variant Classification Sherloc (09022015). Collection method: clinical testing. Allele origin: germline.
Comment: This sequence change replaces alanine, which is neutral and non-polar, with serine, which is neutral and polar, at codon 1901 of the APOB protein (p.Ala1901Ser). In summary, the available evidence is currently insufficient to determine the role of this variant in disease. Therefore, it has been classified as a Variant of Uncertain Significance. Algorithms developed to predict the effect of missense changes on protein structure and function are either unavailable or do not agree on the potential impact of this missense change (SIFT: "Deleterious"; PolyPhen-2: "Benign"; Align-GVGD: "Class C0"). ClinVar contains an entry for this variant (Variation ID: 1379533). This variant has not been reported in the literature in individuals affected with APOB-related conditions. This variant is not present in population databases (gnomAD no frequency).

NM_000384.3(APOB):c.5701G>T (p.Ala1901Ser)

Gene: APOB (apolipoprotein B; minus strand). Cytogenetic location: 2p24.1.
Variant type: single nucleotide variant.
Coding change: c.5701G>T on transcript NM_000384.3 (MANE Select); coding-DNA position 5701, G replaced by T.
Protein change: p.Ala1901Ser; replaces alanine 1901 with serine.
Molecular consequence: missense variant.
Genome position (GRCh38, 1-based): chr2:21,011,167, C>A on the plus strand (G>T on the coding strand, the complement: APOB is on the minus strand). VCF-style: chr2-21011167-C-A. GRCh37 (hg19) VCF-style: chr2-21234039-C-A.
Other names: c.5701G>T (NM_000384.2); short protein forms A1901S.
Identifiers: ClinVar variation 1379533 (VCV001379533.9), dbSNP rs1663308538, ClinGen allele CA346004160.